The following is an entry in ClinVar:

NM_000548.5(TSC2):c.993C>G (p.Asn331Lys)

Gene: TSC2 (TSC complex subunit 2; plus strand). Cytogenetic location: 16p13.3.
Variant type: single nucleotide variant.
Coding change: c.993C>G on transcript NM_000548.5 (MANE Select); coding-DNA position 993, C replaced by G.
Protein change: p.Asn331Lys; replaces asparagine 331 with lysine.
Molecular consequence: missense variant.
Genome position (GRCh38, 1-based): chr16:2,060,687, C>G. VCF-style: chr16-2060687-C-G. GRCh37 (hg19) VCF-style: chr16-2110688-C-G.
Other names: c.993C>G, p.Asn331Lys (NM_001077183.3, NM_001114382.3, NM_001363528.2 and 6 more transcripts); c.882C>G, p.Asn294Lys (NM_001318827.2, NM_001406670.1, NM_001406678.1); c.846C>G, p.Asn282Lys (NM_001318829.2, NM_001406675.1, NM_001406676.1 and 1 more transcripts); c.393C>G, p.Asn131Lys (NM_001318831.2, NM_001406680.1, NM_001406682.1 and 6 more transcripts); c.1026C>G, p.Asn342Lys (NM_001318832.2); c.1083C>G, p.Asn361Lys (NM_001406667.1, NM_001406668.1); c.981C>G, p.Asn327Lys (NM_001406671.1, NM_001406673.1); c.936C>G, p.Asn312Lys (NM_001406677.1); and 4 more; short protein forms N131K, N282K, N331K, N177K, N294K, N312K, N342K, N327K.
Identifiers: ClinVar variation 1768665 (VCV001768665.3), dbSNP rs45517153, ClinGen allele CA394317282.

ClinVar aggregate classification (germline): Uncertain significance. Review status: criteria provided, multiple submitters, no conflicts (2 of 4 stars). 2 submissions from 2 submitters: Uncertain significance (2). Last evaluated 2023-06-28.

Conditions:
Tuberous sclerosis syndrome (TSC). Also called: Tuberous Sclerosis Complex; Tuberous sclerosis. Identifiers: Orphanet 805, MedGen C0041341, MONDO:0001734.
Hereditary cancer-predisposing syndrome. Also called: Tumor predisposition; Neoplastic Syndromes, Hereditary; Hereditary Cancer Syndrome; Hereditary neoplastic syndrome. Identifiers: Orphanet 140162, MedGen C0027672, MeSH D009386, MONDO:0015356.

Submissions (2):

All of Us Research Program, National Institutes of Health
Classification: Uncertain significance for Tuberous sclerosis syndrome. Last evaluated: 2023-06-28. Review status: criteria provided, single submitter. Criteria: ACMG Guidelines, 2015. Collection method: clinical testing. Allele origin: germline. Inheritance: Autosomal dominant inheritance. Observed: 1 variant allele, 1 heterozygote.
Comment: This missense variant replaces asparagine with lysine at codon 331 of the TSC2 protein. Computational prediction suggests that this variant may not impact protein structure and function (internally defined REVEL score threshold <= 0.5, PMID: 27666373). To our knowledge, functional studies have not been reported for this variant. This variant has not been reported in individuals affected with tuberous sclerosis complex in the literature. This variant has not been identified in the general population by the Genome Aggregation Database (gnomAD). The available evidence is insufficient to determine the role of this variant in disease conclusively. Therefore, this variant is classified as a Variant of Uncertain Significance.

This study involves interpretation of variants in research participants for the purpose of population health screening. Participant phenotype was not available at the time of variant classification. Additional details can be found in publication PMID: 35346344, PMCID: PMC8962531

Ambry Genetics
Classification: Uncertain significance for Hereditary cancer-predisposing syndrome. Last evaluated: 2022-04-05. Review status: criteria provided, single submitter. Criteria: Ambry Variant Classification Scheme 2023. Collection method: clinical testing. Allele origin: germline.
Comment: The p.N331K variant (also known as c.993C>G), located in coding exon 10 of the TSC2 gene, results from a C to G substitution at nucleotide position 993. The asparagine at codon 331 is replaced by lysine, an amino acid with similar properties. This amino acid position is highly conserved in available vertebrate species. In addition, this alteration is predicted to be tolerated by in silico analysis. Since supporting evidence is limited at this time, the clinical significance of this alteration remains unclear.